The following is an entry in ClinVar:

ClinVar aggregate classification (germline): Uncertain significance (1 of 4 stars; one submission).

Conditions:
Gamma-aminobutyric acid transaminase deficiency (GABATD). Also called: GABA aminotransaminase deficiency; GABA transaminase deficiency; Gamma aminobutyrate transaminase deficiency; 4 alpha aminobutyrate transaminase deficiency. Identifiers: Orphanet 2066, MedGen C0342708, MONDO:0013166, OMIM 613163.

Allele frequency attached by ClinVar (database versions not stated): gnomAD 0.00001; ExAC 0.00002; gnomAD exomes 0.00002; TOPMed 0.00003.
gnomAD v4.1: 12 of 1,614,020 alleles (0.00074%); highest among the groups gnomAD compares: East Asian, 0.0022%; no homozygotes.

Submission:

Labcorp Genetics (formerly Invitae), Labcorp
Classification: Uncertain significance for Gamma-aminobutyric acid transaminase deficiency. Last evaluated: 2024-12-02. Review status: criteria provided, single submitter. Criteria: Invitae Variant Classification Sherloc (09022015). Collection method: clinical testing. Allele origin: germline.
Comment: This sequence change replaces aspartic acid, which is acidic and polar, with asparagine, which is neutral and polar, at codon 443 of the ABAT protein (p.Asp443Asn). This variant is present in population databases (rs750680169, gnomAD 0.007%). This variant has not been reported in the literature in individuals affected with ABAT-related conditions. ClinVar contains an entry for this variant (Variation ID: 1512414). Invitae Evidence Modeling of protein sequence and biophysical properties (such as structural, functional, and spatial information, amino acid conservation, physicochemical variation, residue mobility, and thermodynamic stability) indicates that this missense variant is not expected to disrupt ABAT protein function with a negative predictive value of 80%. In summary, the available evidence is currently insufficient to determine the role of this variant in disease. Therefore, it has been classified as a Variant of Uncertain Significance.

NM_020686.6(ABAT):c.1327G>A (p.Asp443Asn)

Gene: ABAT (4-aminobutyrate aminotransferase; plus strand). Cytogenetic location: 16p13.2.
Variant type: single nucleotide variant.
Coding change: c.1327G>A on transcript NM_020686.6 (MANE Select); coding-DNA position 1327, G replaced by A.
Protein change: p.Asp443Asn; replaces aspartic acid 443 with asparagine.
Molecular consequence: missense variant. On other transcripts: intron variant (1).
Genome position (GRCh38, 1-based): chr16:8,779,536, G>A. VCF-style: chr16-8779536-G-A. GRCh37 (hg19) VCF-style: chr16-8873393-G-A.
Other names: c.1327G>A, p.Asp443Asn (NM_000663.5, NM_001127448.2, NM_001386600.1 and 5 more transcripts); c.1288G>A, p.Asp430Asn (NM_001386605.1); c.1264G>A, p.Asp422Asn (NM_001386606.1, NM_001386607.1); c.1234G>A, p.Asp412Asn (NM_001386608.1); c.1192G>A, p.Asp398Asn (NM_001386610.1, NM_001386611.1); c.1129G>A, p.Asp377Asn (NM_001386612.1, NM_001386613.1); c.1081G>A, p.Asp361Asn (NM_001386614.1); c.1423G>A, p.Asp475Asn (NM_001386615.1); and 1 more; short protein forms D398N, D443N, D377N, D422N, D430N, D361N, D475N, D412N.
Identifiers: ClinVar variation 1512414 (VCV001512414.7), dbSNP rs750680169, ClinGen allele CA7893521.